The following is an entry in ClinVar:

ClinVar aggregate classification (germline): Pathogenic/Likely pathogenic. Review status: criteria provided, multiple submitters, no conflicts (2 of 4 stars). 6 submissions from 6 submitters: Pathogenic (1); Likely pathogenic (3). 2 of the submissions do not count toward it. Last evaluated 2024-08-23.

Conditions:
MYH7-related disorder. Also called: MYH7-related disorders; MYH7-related condition; MYH7-related disease.
Familial cardiomyopathy. Identifiers: MedGen C0264789, MONDO:0005217.
Cardiomyopathy (CMYO). Also called: Cardiomyopathies. Identifiers: Orphanet 167848, MedGen C0878544, MONDO:0004994, HP:0001638. Inheritance: Various modes of inheritance.
Hypertrophic cardiomyopathy. Also called: HYPERTROPHIC MYOCARDIOPATHY. Identifiers: Orphanet 217569, MedGen C0007194, MeSH D002312, MONDO:0005045, HP:0001639.

Submissions (6):

GeneDx
Classification: Likely pathogenic. Last evaluated: 2024-08-23. Review status: criteria provided, single submitter. Criteria: GeneDx Variant Classification Process June 2021. Collection method: clinical testing. Allele origin: germline. Affected: yes.
Comment: Identified in patients with cardiomyopathy referred for genetic testing at GeneDx and in published literature (PMID: 37652022, 25611685); In silico analysis indicates that this missense variant does not alter protein structure/function; Not observed at significant frequency in large population cohorts (gnomAD); This variant is associated with the following publications: (PMID: 28606303, 27532257, 25611685, 30384889, 37652022, 29300372)

Labcorp Genetics (formerly Invitae), Labcorp
Classification: Likely pathogenic for Hypertrophic cardiomyopathy. Last evaluated: 2024-08-15. Review status: criteria provided, single submitter. Criteria: Invitae Variant Classification Sherloc (09022015). Collection method: clinical testing. Allele origin: germline.
Comment: This sequence change replaces serine, which is neutral and polar, with asparagine, which is neutral and polar, at codon 842 of the MYH7 protein (p.Ser842Asn). This variant is not present in population databases (gnomAD no frequency). This missense change has been observed in individual(s) with hypertrophic cardiomyopathy (PMID: 25611685, 37652022). ClinVar contains an entry for this variant (Variation ID: 42912). Invitae Evidence Modeling of protein sequence and biophysical properties (such as structural, functional, and spatial information, amino acid conservation, physicochemical variation, residue mobility, and thermodynamic stability) indicates that this missense variant is expected to disrupt MYH7 protein function with a positive predictive value of 95%. This variant disrupts the p.Ser842 amino acid residue in MYH7. Other variant(s) that disrupt this residue have been determined to be pathogenic (PMID: 30384889). This suggests that this residue is clinically significant, and that variants that disrupt this residue are likely to be disease-causing. In summary, the currently available evidence indicates that the variant is pathogenic, but additional data are needed to prove that conclusively. Therefore, this variant has been classified as Likely Pathogenic.

CHEO Genetics Diagnostic Laboratory, Children's Hospital of Eastern Ontario
Classification: Likely pathogenic for Cardiomyopathy. Last evaluated: 2020-06-04. Review status: criteria provided, single submitter. Criteria: ACMG Guidelines, 2015. Collection method: clinical testing. Allele origin: germline.

Blueprint Genetics
Classification: Pathogenic for MYH7-related disorders. Last evaluated: 2019-09-09. Review status: criteria provided, single submitter. Criteria: ACMG Guidelines, 2015. Collection method: clinical testing. Allele origin: germline. Affected: yes. Observed: 1 variant allele.

Evolutionary and Medical Genetics Laboratory,  Centre for Cellular and Molecular Biology
Classification: Uncertain significance. Review status: no assertion criteria provided. Collection method: not provided. Allele origin: unknown. Not counted in ClinVar's aggregate classification.
Comment: Synonymous
ClinVar note: Converted during submission from unknown to Uncertain significance.

Laboratory for Molecular Medicine, Mass General Brigham Personalized Medicine
Classification: Uncertain significance. Last evaluated: 2015-09-02. Review status: flagged submission. Criteria: LMM Criteria. Collection method: clinical testing. Allele origin: germline. Observed: 1 variant allele. Not counted in ClinVar's aggregate classification.
Comment: Variant classified as Uncertain Significance - Favor Pathogenic. The p.Ser842Asn variant in MYH7 has not been previously reported in individuals with cardiomyop athy and was absent from large population studies. Serine (Ser) at position 842 is highly conserved in mammals and the change to asparagine (Asn) was predicted to be pathogenic using a computational tool clinically validated by our laborato ry. This tool's pathogenic prediction is estimated to be correct 94% of the time (Jordan 2011). In summary, while there is some suspicion for a pathogenic role, the clinical significance of the p.Ser842Asn variant is uncertain.
ClinVar note: Reason: Older and outlier claim with insufficient supporting evidence

Literature cited by the submitters: PubMed 25611685 (cited by Labcorp Genetics (formerly Invitae), Labcorp); PubMed 37652022 (cited by Labcorp Genetics (formerly Invitae), Labcorp); PubMed 30384889 (cited by Labcorp Genetics (formerly Invitae), Labcorp).

NM_000257.4(MYH7):c.2525G>A (p.Ser842Asn)

Genes: MYH7 (myosin heavy chain 7; minus strand), LOC126861898 (BRD4-independent group 4 enhancer GRCh37_chr14:23893609-23894808; plus strand). Cytogenetic location: 14q11.2.
Variant type: single nucleotide variant.
Coding change: c.2525G>A on transcript NM_000257.4 (MANE Select); coding-DNA position 2525, G replaced by A.
Protein change: p.Ser842Asn; replaces serine 842 with asparagine.
Molecular consequence: missense variant.
Genome position (GRCh38, 1-based): chr14:23,424,923, C>T on the plus strand (G>A on the coding strand, the complement: MYH7 is on the minus strand). VCF-style: chr14-23424923-C-T. GRCh37 (hg19) VCF-style: chr14-23894132-C-T.
Other names: E875E; p.S842N:AGT>AAT; short protein forms S842N.
Identifiers: ClinVar variation 42912 (VCV000042912.19), dbSNP rs397516154, ClinGen allele CA012535.